The following is an entry in ClinVar:

NM_003660.4(PPFIA3):c.3047G>A (p.Arg1016Gln)

Gene: PPFIA3 (PTPRF interacting protein alpha 3; plus strand). Cytogenetic location: 19q13.33.
Variant type: single nucleotide variant.
Coding change: c.3047G>A on transcript NM_003660.4 (MANE Select); coding-DNA position 3047, G replaced by A.
Protein change: p.Arg1016Gln; replaces arginine 1016 with glutamine.
Molecular consequence: missense variant. On other transcripts: non-coding transcript variant (1).
Genome position (GRCh38, 1-based): chr19:49,148,701, G>A. VCF-style: chr19-49148701-G-A. GRCh37 (hg19) VCF-style: chr19-49651958-G-A.
Other names: short protein forms R1016Q.
Identifiers: ClinVar variation 3369555 (VCV003369555.1).
Genomic context (GRCh38, chr19:49,148,701, plus strand): 5'-TGACTCCACTTCCCCTGCTGCTCAGGGTGAGTCTACATTATGGGATTATGTGCCTGAAAC[G>A]GCTCAACTATGACCGGAAGGACCTGGAGCGGAGGCGGGAAGAAAGTCAGACCCAGATCCG-3'
Protein context (NP_003651.1, residues 1006-1026): SLHYGIMCLK[Arg1016Gln]LNYDRKDLER

ClinVar aggregate classification (germline): Uncertain significance (1 of 4 stars; one submission).

Submission:

GeneDx
Classification: Uncertain significance. Last evaluated: 2024-02-26. Review status: criteria provided, single submitter. Criteria: GeneDx Variant Classification Process June 2021. Collection method: clinical testing. Allele origin: germline. Affected: yes.
Comment: Not observed at significant frequency in large population cohorts (gnomAD); In silico analysis supports that this missense variant has a deleterious effect on protein structure/function; Has not been previously published as pathogenic or benign to our knowledge